The following is an entry in ClinVar:

ClinVar aggregate classification (germline): Uncertain significance (1 of 4 stars; one submission).

Conditions:
Tay-Sachs disease (TSD). Also called: HEXA DEFICIENCY; GM2 gangliosidosis, type 1; Hexosaminidase alpha-subunit deficiency (variant B); Sphingolipidosis, Tay-Sachs; Hexosaminidase A Deficiency; HEXA Disorders. Identifiers: Orphanet 845, MedGen C0039373, MONDO:0010100, OMIM 272800.

Submission:

Labcorp Genetics (formerly Invitae), Labcorp
Classification: Uncertain significance for Tay-Sachs disease. Last evaluated: 2021-12-17. Review status: criteria provided, single submitter. Criteria: Invitae Variant Classification Sherloc (09022015). Collection method: clinical testing. Allele origin: germline.
Comment: This sequence change replaces alanine, which is neutral and non-polar, with threonine, which is neutral and polar, at codon 13 of the HEXA protein (p.Ala13Thr). This variant is not present in population databases (gnomAD no frequency). In summary, the available evidence is currently insufficient to determine the role of this variant in disease. Therefore, it has been classified as a Variant of Uncertain Significance. Algorithms developed to predict the effect of missense changes on protein structure and function are either unavailable or do not agree on the potential impact of this missense change (SIFT: "Tolerated"; PolyPhen-2: "Not Available"; Align-GVGD: "Class C0"). This variant has not been reported in the literature in individuals affected with HEXA-related conditions.

NM_000520.6(HEXA):c.37G>A (p.Ala13Thr)

Gene: HEXA (hexosaminidase subunit alpha; minus strand). Cytogenetic location: 15q23.
Variant type: single nucleotide variant.
Coding change: c.37G>A on transcript NM_000520.6 (MANE Select); coding-DNA position 37, G replaced by A.
Protein change: p.Ala13Thr; replaces alanine 13 with threonine.
Molecular consequence: missense variant. On other transcripts: non-coding transcript variant (1).
Genome position (GRCh38, 1-based): chr15:72,375,936, C>T on the plus strand (G>A on the coding strand, the complement: HEXA is on the minus strand). VCF-style: chr15-72375936-C-T. GRCh37 (hg19) VCF-style: chr15-72668277-C-T.
Other names: c.37G>A, p.Ala13Thr (NM_001318825.2); short protein forms A13T.
Identifiers: ClinVar variation 2044563 (VCV002044563.4), dbSNP rs2542582622, ClinGen allele CA393070780.
Genomic context (GRCh38, chr15:72,375,936, plus strand): 5'-AGGTTTGGAAGTTCTGAGGCCAGGGCCAGAGGGCCGTCGCCCGTCCTGCGAACGCTGCCG[C>T]CAGCAGCAGCGAAAACCAAAGCCTGGAGCTTGTCATGGCCCGCTGGTCTCCCCTCTCGGA-3'
Protein context (NP_000511.2, residues 3-23): SSRLWFSLLL[Ala13Thr]AAFAGRATAL